The following is an entry in ClinVar:

ClinVar aggregate classification (germline): Uncertain significance (1 of 4 stars; one submission).

Submission:

Ambry Genetics
Classification: Uncertain significance. Last evaluated: 2026-09-14. Review status: criteria provided, single submitter. Criteria: Ambry Variant Classification Scheme 2023. Collection method: clinical testing. Allele origin: germline.
Comment: The p.M1378T variant (also known as c.4133T>C), located in coding exon 32 of the A2ML1 gene, results from a T to C substitution at nucleotide position 4133. The methionine at codon 1378 is replaced by threonine, an amino acid with similar properties. This amino acid position is conserved. In addition, this alteration is predicted to be tolerated by in silico analysis. Based on the available evidence, the clinical significance of this variant remains unclear.

NM_144670.6(A2ML1):c.4133T>C (p.Met1378Thr)

Gene: A2ML1 (alpha-2-macroglobulin like 1; plus strand). Cytogenetic location: 12p13.31.
Variant type: single nucleotide variant.
Coding change: c.4133T>C on transcript NM_144670.6 (MANE Select); coding-DNA position 4133, T replaced by C.
Protein change: p.Met1378Thr; replaces methionine 1378 with threonine.
Molecular consequence: missense variant.
Genome position (GRCh38, 1-based): chr12:8,868,608, T>C. VCF-style: chr12-8868608-T-C. GRCh37 (hg19) VCF-style: chr12-9021204-T-C.
Other names: c.2660T>C, p.Met887Thr (NM_001282424.3); short protein forms M887T, M1378T.
Identifiers: ClinVar variation 5032021 (VCV005032021.1).
Genomic context (GRCh38, chr12:8,868,608, plus strand): 5'-GCCGTAGCTCTTCCAATATGGCTATTGTGGAAGTGAAGATGCTATCTGGGTTCAGTCCCA[T>C]GGAGGGCACCAATCAGTTAGTAAGTTACTTCTGTTTTCTTCATTTATCTAGCTGTGAGGG-3'
Protein context (NP_653271.3, residues 1368-1388): EVKMLSGFSP[Met1378Thr]EGTNQLLLQQ